The following is an entry in ClinVar:

NM_012210.4(TRIM32):c.1416A>G (p.Pro472=)

Genes: ASTN2 (astrotactin 2; minus strand), TRIM32 (tripartite motif containing 32; plus strand). Cytogenetic location: 9q33.1.
Variant type: single nucleotide variant.
Coding change: c.1416A>G on transcript NM_012210.4 (MANE Select); coding-DNA position 1416, A replaced by G.
Protein change: p.Pro472=; no amino-acid change (proline 472 retained).
Molecular consequence: synonymous variant. On other transcripts: intron variant (3).
Genome position (GRCh38, 1-based): chr9:116,699,158, A>G. VCF-style: chr9-116699158-A-G. GRCh37 (hg19) VCF-style: chr9-119461437-A-G.
Other names: c.1416A>G, p.Pro472= (NM_001099679.2, NM_001379048.1, NM_001379049.1 and 1 more transcripts); c.2653+26613T>C (NM_014010.5); c.2794+26613T>C (NM_001365069.1); c.2806+26613T>C (NM_001365068.1).
Identifiers: ClinVar variation 1190303 (VCV001190303.9), dbSNP rs374136376, ClinGen allele CA5211143.

ClinVar aggregate classification (germline): Likely benign. Review status: criteria provided, multiple submitters, no conflicts (2 of 4 stars). 3 submissions from 3 submitters: Likely benign (2). 1 of the submissions does not count toward it. Last evaluated 2026-01-20.

Conditions:
TRIM32-related disorder. Also called: TRIM32-related condition.
Bardet-Biedl syndrome (BBS). Identifiers: Orphanet 110, MedGen C0752166, MONDO:0015229.

Allele frequency attached by ClinVar (database versions not stated): ExAC 0.00001; gnomAD exomes 0.00002; TOPMed 0.00004; gnomAD 0.00005 and 0.00006; ESP Exome Variant Server 0.00008.
gnomAD v4.1: 13 of 1,614,118 alleles (0.00081%); highest among the groups gnomAD compares: African/African-American, 0.016%; no homozygotes.

Submissions (3):

Labcorp Genetics (formerly Invitae), Labcorp
Classification: Likely benign for Bardet-Biedl syndrome. Last evaluated: 2026-01-20. Review status: criteria provided, single submitter. Criteria: Invitae Variant Classification Sherloc (09022015). Collection method: clinical testing. Allele origin: germline.

GeneDx
Classification: Likely benign. Last evaluated: 2018-09-18. Review status: criteria provided, single submitter. Criteria: GeneDx Variant Classification Process June 2021. Collection method: clinical testing. Allele origin: germline. Affected: yes.

PreventionGenetics, part of Exact Sciences
Classification: Likely benign for TRIM32-related condition. Last evaluated: 2024-08-15. Review status: no assertion criteria provided. Collection method: clinical testing. Allele origin: germline. Not counted in ClinVar's aggregate classification.
Comment: This variant is classified as likely benign based on ACMG/AMP sequence variant interpretation guidelines (Richards et al. 2015 PMID: 25741868, with internal and published modifications).